The following is an entry in ClinVar:

NM_032242.4(PLXNA1):c.1619T>C (p.Ile540Thr)

Gene: PLXNA1 (plexin A1; plus strand). Cytogenetic location: 3q21.3.
Variant type: single nucleotide variant.
Coding change: c.1619T>C on transcript NM_032242.4 (MANE Select); coding-DNA position 1619, T replaced by C.
Protein change: p.Ile540Thr; replaces isoleucine 540 with threonine.
Molecular consequence: missense variant.
Genome position (GRCh38, 1-based): chr3:127,004,711, T>C. VCF-style: chr3-127004711-T-C. GRCh37 (hg19) VCF-style: chr3-126723554-T-C.
Other names: short protein forms I540T.
Identifiers: ClinVar variation 4992093 (VCV004992093.1).

ClinVar aggregate classification (germline): Uncertain significance (1 of 4 stars; one submission).

Conditions:
PLXNA1-related disorder. Also called: PLXNA1-related condition.

gnomAD v4.1: 2 of 1,587,646 alleles (0.00013%); highest among the groups gnomAD compares: Non-Finnish European, 0.00017%; no homozygotes.

Submission:

PreventionGenetics, part of Exact Sciences
Classification: Uncertain significance for PLXNA1-related condition. Last evaluated: 2026-08-17. Review status: criteria provided, single submitter. Criteria: ACMG Guidelines, 2015. Collection method: clinical testing. Allele origin: germline.
Comment: The PLXNA1 c.1619T>C variant is predicted to result in the amino acid substitution p.Ile540Thr. To our knowledge, this variant has not been reported in the literature or in a large population database (gnomAD), indicating this variant is rare. At this time, the clinical significance of this variant is uncertain due to the absence of conclusive functional and genetic evidence.